The following is an entry in ClinVar:

ClinVar aggregate classification (germline): Uncertain significance. Review status: criteria provided, multiple submitters, no conflicts (2 of 4 stars). 2 submissions from 2 submitters: Uncertain significance (2). Last evaluated 2025-09-03.

Conditions:
DICER1-related tumor predisposition. Also called: DICER1-related pleuropulmonary blastoma cancer predisposition syndrome; DICER1 syndrome. Identifiers: Orphanet 284343, MedGen C3839822, MONDO:0100216.
Hereditary cancer-predisposing syndrome. Also called: Neoplastic Syndromes, Hereditary; Hereditary neoplastic syndrome; Tumor predisposition; Hereditary Cancer Syndrome. Identifiers: Orphanet 140162, MedGen C0027672, MeSH D009386, MONDO:0015356.

Submissions (2):

Ambry Genetics
Classification: Uncertain significance for Hereditary cancer-predisposing syndrome. Last evaluated: 2025-09-03. Review status: criteria provided, single submitter. Criteria: Ambry Variant Classification Scheme 2023. Collection method: clinical testing. Allele origin: germline.
Comment: The p.P259R variant (also known as c.776C>G), located in coding exon 6 of the DICER1 gene, results from a C to G substitution at nucleotide position 776. The proline at codon 259 is replaced by arginine, an amino acid with dissimilar properties. This amino acid position is conserved. In addition, this alteration is predicted to be deleterious by in silico analysis. Since supporting evidence is limited at this time, the clinical significance of this alteration remains unclear.

Labcorp Genetics (formerly Invitae), Labcorp
Classification: Uncertain significance for DICER1-related tumor predisposition. Last evaluated: 2024-04-15. Review status: criteria provided, single submitter. Criteria: Invitae Variant Classification Sherloc (09022015). Collection method: clinical testing. Allele origin: germline.
Comment: This sequence change replaces proline, which is neutral and non-polar, with arginine, which is basic and polar, at codon 259 of the DICER1 protein (p.Pro259Arg). This variant is not present in population databases (gnomAD no frequency). This variant has not been reported in the literature in individuals affected with DICER1-related conditions. ClinVar contains an entry for this variant (Variation ID: 836789). Advanced modeling of protein sequence and biophysical properties (such as structural, functional, and spatial information, amino acid conservation, physicochemical variation, residue mobility, and thermodynamic stability) performed at Invitae indicates that this missense variant is not expected to disrupt DICER1 protein function with a negative predictive value of 80%. In summary, the available evidence is currently insufficient to determine the role of this variant in disease. Therefore, it has been classified as a Variant of Uncertain Significance.

NM_177438.3(DICER1):c.776C>G (p.Pro259Arg)

Gene: DICER1 (dicer 1, ribonuclease III; minus strand). Cytogenetic location: 14q32.13.
Variant type: single nucleotide variant.
Coding change: c.776C>G on transcript NM_177438.3 (MANE Select); coding-DNA position 776, C replaced by G.
Protein change: p.Pro259Arg; replaces proline 259 with arginine.
Molecular consequence: missense variant.
Genome position (GRCh38, 1-based): chr14:95,126,707, G>C on the plus strand (C>G on the coding strand, the complement: DICER1 is on the minus strand). VCF-style: chr14-95126707-G-C. GRCh37 (hg19) VCF-style: chr14-95593044-G-C.
Other names: c.776C>G, p.Pro259Arg (NM_001195573.1, NM_001271282.3, NM_001291628.2 and 1 more transcripts); short protein forms P259R.
Identifiers: ClinVar variation 836789 (VCV000836789.12), dbSNP rs566464225, ClinGen allele CA390887825.